The following is an entry in ClinVar:

NM_000530.8(MPZ):c.258_263dup (p.Tyr88Ter)

Gene: MPZ (myelin protein zero; minus strand). Cytogenetic location: 1q23.3.
Variant type: Duplication.
Coding change: c.258_263dup on transcript NM_000530.8 (MANE Select); coding-DNA positions 258 to 263, 6 bases duplicated (ACCCTA; older notation c.258_263dupACCCTA).
Protein change: p.Tyr88Ter; replaces tyrosine 88 with a stop codon.
Molecular consequence: nonsense.
Genome position (GRCh38, 1-based): chr1:161,306,893-161,306,898, TAGGGT duplicated on the plus strand (ACCCTA on the coding strand, the reverse complement: MPZ is on the minus strand); duplicating any 6 consecutive bases within chr1:161,306,893-161,306,899 gives the same sequence; the c. name uses the placement nearest the transcript's 3' end. VCF-style (leftmost placement, unchanged base first): chr1-161306892-G-GTAGGGT. GRCh37 (hg19) VCF-style: chr1-161276682-G-GTAGGGT.
Other names: c.258_263dup, p.Tyr88Ter (NM_001315491.2); short protein forms Y88*.
Identifiers: ClinVar variation 2202877 (VCV002202877.4), dbSNP rs2526239029, ClinGen allele CA2580061342.

ClinVar aggregate classification (germline): Pathogenic (1 of 4 stars; one submission).

Conditions:
Charcot-Marie-Tooth disease, type I (CMT1). Also called: Charcot-Marie-Tooth, Type 1; Charcot-Marie-Tooth disease type 1. Identifiers: Orphanet 65753, MedGen C0751036, MONDO:0019011.

Submission:

Labcorp Genetics (formerly Invitae), Labcorp
Classification: Pathogenic for Charcot-Marie-Tooth disease, type I. Last evaluated: 2024-03-03. Review status: criteria provided, single submitter. Criteria: Invitae Variant Classification Sherloc (09022015). Collection method: clinical testing. Allele origin: germline.
Comment: This sequence change creates a premature translational stop signal (p.Tyr88*) in the MPZ gene. It is expected to result in an absent or disrupted protein product. Loss-of-function variants in MPZ are known to be pathogenic (PMID: 14711881). This variant is not present in population databases (gnomAD no frequency). This premature translational stop signal has been observed in individual(s) with clinical features of MPZ-related conditions (PMID: 25614874). ClinVar contains an entry for this variant (Variation ID: 2202877). For these reasons, this variant has been classified as Pathogenic.

Literature cited by the submitters: PubMed 14711881; PubMed 25614874.